The following is an entry in ClinVar:

ClinVar aggregate classification (germline): Uncertain significance. Review status: criteria provided, multiple submitters, no conflicts (2 of 4 stars). 2 submissions from 2 submitters: Uncertain significance (2). Last evaluated 2025-03-12.

Conditions:
Neuroblastoma, susceptibility to, 3. Also called: ALK-Related Neuroblastic Tumor Susceptibility. Identifiers: Orphanet 635, MedGen C2751681, MONDO:0013083, OMIM 613014.
Hereditary cancer-predisposing syndrome. Also called: Hereditary Cancer Syndrome; Tumor predisposition; Neoplastic Syndromes, Hereditary; Hereditary neoplastic syndrome. Identifiers: Orphanet 140162, MedGen C0027672, MeSH D009386, MONDO:0015356.

Submissions (2):

Ambry Genetics
Classification: Uncertain significance for Hereditary cancer-predisposing syndrome. Last evaluated: 2025-03-12. Review status: criteria provided, single submitter. Criteria: Ambry Variant Classification Scheme 2023. Collection method: clinical testing. Allele origin: germline.
Comment: The p.P191S variant (also known as c.571C>T), located in coding exon 1 of the ALK gene, results from a C to T substitution at nucleotide position 571. The proline at codon 191 is replaced by serine, an amino acid with similar properties. This amino acid position is conserved. In addition, this alteration is predicted to be deleterious by in silico analysis. Based on the available evidence, the clinical significance of this variant remains unclear.

Baylor Genetics
Classification: Uncertain significance for Neuroblastoma, susceptibility to, 3. Last evaluated: 2024-02-13. Review status: criteria provided, single submitter. Criteria: ACMG Guidelines, 2015. Collection method: clinical testing. Allele origin: unknown.

NM_004304.5(ALK):c.571C>T (p.Pro191Ser)

Gene: ALK (ALK receptor tyrosine kinase; minus strand). Cytogenetic location: 2p23.1.
Variant type: single nucleotide variant.
Coding change: c.571C>T on transcript NM_004304.5 (MANE Select); coding-DNA position 571, C replaced by T.
Protein change: p.Pro191Ser; replaces proline 191 with serine.
Molecular consequence: missense variant.
Genome position (GRCh38, 1-based): chr2:29,920,089, G>A on the plus strand (C>T on the coding strand, the complement: ALK is on the minus strand). VCF-style: chr2-29920089-G-A. GRCh37 (hg19) VCF-style: chr2-30142955-G-A.
Other names: c.571C>T (NM_004304.4); short protein forms P191S.
Identifiers: ClinVar variation 3241658 (VCV003241658.2), dbSNP rs1667948891.
Genomic context (GRCh38, chr2:29,920,089, plus strand): 5'-AGGCGCGAATTGCCGCGGACAGCCTTCCCTCTCTGCCCACTTCCGACGCCTTCTTCTCGG[G>A]CATCAGGCGGATCCTCAGTCGCCCTTCGCCTTGGCGAATCCACCAACTGAACAGCTCGCT-3'
Protein context (NP_004295.2, residues 181-201): GEGRLRIRLM[Pro191Ser]EKKASEVGRE